The following is an entry in ClinVar:

NM_004656.4(BAP1):c.1327A>G (p.Asn443Asp)

Gene: BAP1 (BRCA1 associated deubiquitinase 1; minus strand). Cytogenetic location: 3p21.1.
Variant type: single nucleotide variant.
Coding change: c.1327A>G on transcript NM_004656.4 (MANE Select); coding-DNA position 1327, A replaced by G.
Protein change: p.Asn443Asp; replaces asparagine 443 with aspartic acid.
Molecular consequence: missense variant.
Genome position (GRCh38, 1-based): chr3:52,403,818, T>C on the plus strand (A>G on the coding strand, the complement: BAP1 is on the minus strand). VCF-style: chr3-52403818-T-C. GRCh37 (hg19) VCF-style: chr3-52437834-T-C.
Other names: c.1273A>G, p.Asn425Asp (NM_001410772.1); short protein forms N425D, N443D.
Identifiers: ClinVar variation 3224429 (VCV003224429.1), dbSNP rs2471329960, ClinGen allele CA353102093.

ClinVar aggregate classification (germline): Uncertain significance (1 of 4 stars; one submission).

Conditions:
Hereditary cancer-predisposing syndrome. Also called: Tumor predisposition; Hereditary neoplastic syndrome; Hereditary Cancer Syndrome; Neoplastic Syndromes, Hereditary. Identifiers: Orphanet 140162, MedGen C0027672, MeSH D009386, MONDO:0015356.

Submission:

Ambry Genetics
Classification: Uncertain significance for Hereditary cancer-predisposing syndrome. Last evaluated: 2023-11-03. Review status: criteria provided, single submitter. Criteria: Ambry Variant Classification Scheme 2023. Collection method: clinical testing. Allele origin: germline.
Comment: The p.N443D variant (also known as c.1327A>G), located in coding exon 13 of the BAP1 gene, results from an A to G substitution at nucleotide position 1327. The asparagine at codon 443 is replaced by aspartic acid, an amino acid with highly similar properties. This amino acid position is conserved. In addition, this alteration is predicted to be tolerated by in silico analysis. Since supporting evidence is limited at this time, the clinical significance of this alteration remains unclear.